The following is an entry in ClinVar:

NM_002857.4(PEX19):c.504A>G (p.Glu168=)

Gene: PEX19 (peroxisomal biogenesis factor 19; minus strand). Cytogenetic location: 1q23.2.
Variant type: single nucleotide variant.
Coding change: c.504A>G on transcript NM_002857.4 (MANE Select); coding-DNA position 504, A replaced by G.
Protein change: p.Glu168=; no amino-acid change (glutamic acid 168 retained).
Molecular consequence: synonymous variant. On other transcripts: non-coding transcript variant (2).
Genome position (GRCh38, 1-based): chr1:160,282,129, T>C on the plus strand (A>G on the coding strand, the complement: PEX19 is on the minus strand). VCF-style: chr1-160282129-T-C. GRCh37 (hg19) VCF-style: chr1-160251919-T-C.
Other names: c.504A>G, p.Glu168= (NM_001193644.1).
Identifiers: ClinVar variation 737576 (VCV000737576.11), dbSNP rs200311685, ClinGen allele CA1197334.
Genomic context (GRCh38, chr1:160,282,129, plus strand): 5'-CAGCACATCCTTGGAGAGTAGGTTCTGCATAATACTCTGCATGATGGGGAGGATGTTCCC[T>C]TCCCCATCCCCTTCGTCCATGCCTAGCCCCTCCATGGCCTTGGTCAGCTCTTCTTCCGAC-3'
Protein context (NP_002848.1, residues 158-178): EGLGMDEGDG[Glu168=]GNILPIMQSI

ClinVar aggregate classification (germline): Likely benign. Review status: criteria provided, multiple submitters, no conflicts (2 of 4 stars). 3 submissions from 3 submitters: Likely benign (2). 1 of the submissions does not count toward it. Last evaluated 2026-01-26.

Conditions:
Peroxisome biogenesis disorder 12A (Zellweger). Also called: Peroxisome biogenesis disorder 12A. Identifiers: Orphanet 912, MedGen C3554002, MONDO:0013951, OMIM 614886.
PEX19-related disorder. Also called: PEX19-related condition.

Allele frequency attached by ClinVar (database versions not stated): ESP Exome Variant Server 0.00008; TOPMed 0.00011; gnomAD exomes 0.00016 and 0.00017; gnomAD 0.00017 and 0.00018; ExAC 0.00020; 1000 Genomes Project 30x 0.00047; 1000 Genomes Project 0.00060.

Submissions (3):

Labcorp Genetics (formerly Invitae), Labcorp
Classification: Likely benign for Peroxisome biogenesis disorder 12A (Zellweger). Last evaluated: 2026-01-26. Review status: criteria provided, single submitter. Criteria: Invitae Variant Classification Sherloc (09022015). Collection method: clinical testing. Allele origin: germline.

Blueprint Genetics
Classification: Likely benign. Last evaluated: 2024-11-05. Review status: criteria provided, single submitter. Criteria: ACMG Guidelines, 2015. Collection method: clinical testing. Allele origin: germline.

PreventionGenetics, part of Exact Sciences
Classification: Likely benign for PEX19-related condition. Last evaluated: 2019-06-04. Review status: no assertion criteria provided. Collection method: clinical testing. Allele origin: germline. Not counted in ClinVar's aggregate classification.
Comment: This variant is classified as likely benign based on ACMG/AMP sequence variant interpretation guidelines (Richards et al. 2015 PMID: 25741868, with internal and published modifications).